The following is an entry in ClinVar:

NM_001276270.2(MBD4):c.1528A>G (p.Ile510Val)

Gene: MBD4 (methyl-CpG binding domain 4, DNA glycosylase; minus strand). Cytogenetic location: 3q21.3.
Variant type: single nucleotide variant.
Coding change: c.1528A>G on transcript NM_001276270.2 (MANE Select); coding-DNA position 1528, A replaced by G.
Protein change: p.Ile510Val; replaces isoleucine 510 with valine.
Molecular consequence: missense variant.
Genome position (GRCh38, 1-based): chr3:129,433,113, T>C on the plus strand (A>G on the coding strand, the complement: MBD4 is on the minus strand). VCF-style: chr3-129433113-T-C. GRCh37 (hg19) VCF-style: chr3-129151956-T-C.
Other names: c.1546A>G, p.Ile516Val (NM_001276271.2, NM_001276272.2, NM_003925.3); c.592A>G, p.Ile198Val (NM_001276273.2); short protein forms I198V, I516V, I510V.
Identifiers: ClinVar variation 3680992 (VCV003680992.3).
Genomic context (GRCh38, chr3:129,433,113, plus strand): 5'-AAGCACAATGTATTATGTTTTTCCTTTGGGTGTATAGGAAAATACCTGAGAACTTGACAA[T>C]GGTTTTTGCCCGAAGATCGTAGAGACCAAGAGGTTTAAGAAGTTCTGACACATCTCTCCA-3'
Protein context (NP_001263199.1, residues 500-520): LGLYDLRAKT[Ile510Val]VKFSDEYLTK

ClinVar aggregate classification (germline): Uncertain significance. Review status: criteria provided, multiple submitters, no conflicts (2 of 4 stars). 2 submissions from 2 submitters: Uncertain significance (2). Last evaluated 2025-11-12.

Conditions:
Inborn genetic diseases. Identifiers: MedGen C0950123, MeSH D030342.

Submissions (2):

Labcorp Genetics (formerly Invitae), Labcorp
Classification: Uncertain significance. Last evaluated: 2025-11-12. Review status: criteria provided, single submitter. Criteria: Invitae Variant Classification Sherloc (09022015). Collection method: clinical testing. Allele origin: germline.
Comment: This sequence change replaces isoleucine, which is neutral and non-polar, with valine, which is neutral and non-polar, at codon 516 of the MBD4 protein (p.Ile516Val). This variant is not present in population databases (gnomAD no frequency). This variant has not been reported in the literature in individuals affected with MBD4-related conditions. ClinVar contains an entry for this variant (Variation ID: 3680992). An algorithm developed to predict the effect of missense changes on protein structure and function (PolyPhen-2) suggests that this variant is likely to be disruptive. In summary, the available evidence is currently insufficient to determine the role of this variant in disease. Therefore, it has been classified as a Variant of Uncertain Significance.

Ambry Genetics
Classification: Uncertain significance for Inborn genetic diseases. Last evaluated: 2025-02-04. Review status: criteria provided, single submitter. Criteria: Ambry Variant Classification Scheme 2023. Collection method: clinical testing. Allele origin: germline.
Comment: The p.I510V variant (also known as c.1528A>G), located in coding exon 6 of the MBD4 gene, results from an A to G substitution at nucleotide position 1528. The isoleucine at codon 510 is replaced by valine, an amino acid with highly similar properties. This amino acid position is conserved. In addition, the in silico prediction for this alteration is inconclusive. Based on the available evidence, the clinical significance of this variant remains unclear.